The following is an entry in ClinVar:

NM_014915.3(ANKRD26):c.5037del (p.Pro1679_Leu1680insTer)

Gene: ANKRD26 (ankyrin repeat domain containing 26; minus strand). Cytogenetic location: 10p12.1.
Variant type: Deletion.
Coding change: c.5037del on transcript NM_014915.3 (MANE Select); coding-DNA position 5037, one base deleted (T; older notation c.5037delT).
Protein change: p.Pro1679_Leu1680insTer.
Molecular consequence: frameshift variant. On other transcripts: nonsense (1).
Genome position (GRCh38, 1-based): chr10:27,005,686, A deleted on the plus strand (T on the coding strand, the reverse complement: ANKRD26 is on the minus strand). VCF-style (leftmost placement, unchanged base first): chr10-27005685-GA-G. GRCh37 (hg19) VCF-style: chr10-27294614-GA-G.
Other names: c.5034del, p.Pro1678_Leu1679insTer (NM_001256053.2); c.5037delT, p.Leu1680Terfs (NM_014915.2).
Identifiers: ClinVar variation 3361989 (VCV003361989.1).

ClinVar aggregate classification (germline): Uncertain significance (1 of 4 stars; one submission).

Submission:

GeneDx
Classification: Uncertain significance. Last evaluated: 2023-05-23. Review status: criteria provided, single submitter. Criteria: GeneDx Variant Classification Process June 2021. Collection method: clinical testing. Allele origin: germline. Affected: yes.
Comment: Nonsense variant predicted to result in protein truncation as the last 31 amino acids are lost in a gene for which loss of function is not a well-established mechanism of disease; Has not been previously published as pathogenic or benign to our knowledge; Not observed at significant frequency in large population cohorts (gnomAD)